The following is an entry in ClinVar:

ClinVar aggregate classification (germline): Uncertain significance (1 of 4 stars; one submission).

Conditions:
Catecholaminergic polymorphic ventricular tachycardia (CVPT). Also called: Catecholamine-induced polymorphic ventricular tachycardia. Identifiers: Orphanet 3286, MedGen C5574922, MONDO:0017990.

gnomAD v4.1: 2 of 1,614,042 alleles (0.00012%); highest among the groups gnomAD compares: Non-Finnish European, 0.00017%; no homozygotes.

Submission:

All of Us Research Program, National Institutes of Health
Classification: Uncertain significance for Catecholaminergic polymorphic ventricular tachycardia. Last evaluated: 2024-03-05. Review status: criteria provided, single submitter. Criteria: ACMG Guidelines, 2015. Collection method: clinical testing. Allele origin: germline. Inheritance: Autosomal dominant inheritance. Observed: 1 variant allele, 1 heterozygote.
Comment: This study involves interpretation of variants in research participants for the purpose of population health screening. Participant phenotype was not available at the time of variant classification. Additional details can be found in publication PMID: 35346344, PMCID: PMC8962531

NM_001035.3(RYR2):c.5834A>G (p.Asn1945Ser)

Gene: RYR2 (ryanodine receptor 2; plus strand). Cytogenetic location: 1q43.
Variant type: single nucleotide variant.
Coding change: c.5834A>G on transcript NM_001035.3 (MANE Select); coding-DNA position 5834, A replaced by G.
Protein change: p.Asn1945Ser; replaces asparagine 1945 with serine.
Molecular consequence: missense variant.
Genome position (GRCh38, 1-based): chr1:237,617,404, A>G. VCF-style: chr1-237617404-A-G. GRCh37 (hg19) VCF-style: chr1-237780704-A-G.
Other names: short protein forms N1945S.
Identifiers: ClinVar variation 3385746 (VCV003385746.1).